The following is an entry in ClinVar:

ClinVar aggregate classification (germline): Uncertain significance (1 of 4 stars; one submission).

Conditions:
Neurofibromatosis, type 1 (NF1). Also called: NEUROFIBROMATOSIS, TYPE I, SOMATIC; Neurofibromatosis, type I; Peripheral type neurofibromatosis; VON RECKLINGHAUSEN DISEASE. Identifiers: Orphanet 636, MedGen C0027831, MONDO:0018975, OMIM 162200. Disease mechanism: loss of function.

Submission:

Labcorp Genetics (formerly Invitae), Labcorp
Classification: Uncertain significance for Neurofibromatosis, type 1. Last evaluated: 2024-07-16. Review status: criteria provided, single submitter. Criteria: Invitae Variant Classification Sherloc (09022015). Collection method: clinical testing. Allele origin: germline.
Comment: This sequence change replaces alanine, which is neutral and non-polar, with valine, which is neutral and non-polar, at codon 2298 of the NF1 protein (p.Ala2298Val). This variant is not present in population databases (gnomAD no frequency). This variant has not been reported in the literature in individuals affected with NF1-related conditions. ClinVar contains an entry for this variant (Variation ID: 2096815). Advanced modeling of protein sequence and biophysical properties (such as structural, functional, and spatial information, amino acid conservation, physicochemical variation, residue mobility, and thermodynamic stability) performed at Invitae indicates that this missense variant is expected to disrupt NF1 protein function with a positive predictive value of 95%. In summary, the available evidence is currently insufficient to determine the role of this variant in disease. Therefore, it has been classified as a Variant of Uncertain Significance.

NM_001042492.3(NF1):c.6956C>T (p.Ala2319Val)

Gene: NF1 (neurofibromin 1; plus strand). Cytogenetic location: 17q11.2.
Variant type: single nucleotide variant.
Coding change: c.6956C>T on transcript NM_001042492.3 (MANE Select); coding-DNA position 6956, C replaced by T.
Protein change: p.Ala2319Val; replaces alanine 2319 with valine.
Molecular consequence: missense variant.
Genome position (GRCh38, 1-based): chr17:31,340,539, C>T. VCF-style: chr17-31340539-C-T. GRCh37 (hg19) VCF-style: chr17-29667557-C-T.
Other names: c.6893C>T, p.Ala2298Val (NM_000267.4); short protein forms A2298V, A2319V.
Identifiers: ClinVar variation 2096815 (VCV002096815.4), dbSNP rs2151561592, ClinGen allele CA399014915.
Genomic context (GRCh38, chr17:31,340,539, plus strand): 5'-AGCCTCAAACATATCTTCTTTGCCAGGACTCGCCTCTGCACAAAGCCCTCTTTTGGGTAG[C>T]TGTGGCTGTGCTGCAGCTTGATGAGGTCAACTTGTATTCAGCAGGTACCGCACTTCTTGA-3'
Protein context (NP_001035957.1, residues 2309-2329): SPLHKALFWV[Ala2319Val]VAVLQLDEVN